The following is an entry in ClinVar:

ClinVar aggregate classification (germline): Uncertain significance (1 of 4 stars; one submission).

Conditions:
Fabry disease. Also called: ALPHA-GALACTOSIDASE A DEFICIENCY; ANDERSON-FABRY DISEASE; CERAMIDE TRIHEXOSIDASE DEFICIENCY; GLA DEFICIENCY; HEREDITARY DYSTOPIC LIPIDOSIS; Angiokeratoma corporis diffusum. Identifiers: Orphanet 324, MedGen C0002986, MONDO:0010526, OMIM 301500, HP:0001071. Disease mechanism: Fabry disease is due to inactivating mutations in the X-linked GLA gene resulting in deficiency of the enzyme Alpha Galactosidase-A., loss of function.

Submission:

Genomenon, Inc
Classification: Uncertain significance for Fabry disease. Last evaluated: 2026-09-08. Review status: criteria provided, single submitter. Criteria: Genomenon Sequence Variant Interpretation Standards - Updated. Collection method: curation. Allele origin: germline. Affected: no.
Comment: GLA p.Lys314Met (c.941A>T) is a missense variant that changes the amino acid at codon 314 from Lysine to Methionine. This variant has been reported in the published literature (PMID:37576794). It is absent or not present at a significant frequency in gnomAD. In silico models predict that this variant is possibly or probably damaging. In conclusion, we classify GLA p.Lys314Met (c.941A>T) as a variant of uncertain significance.

Literature cited by the submitters: PubMed 37576794.

NM_000169.3(GLA):c.941A>T (p.Lys314Met)

Genes: GLA (galactosidase alpha; minus strand), RPL36A-HNRNPH2 (RPL36A-HNRNPH2 readthrough; plus strand). Cytogenetic location: Xq22.1.
Variant type: single nucleotide variant.
Coding change: c.941A>T on transcript NM_000169.3 (MANE Select); coding-DNA position 941, A replaced by T.
Protein change: p.Lys314Met; replaces lysine 314 with methionine.
Molecular consequence: missense variant. On other transcripts: non-coding transcript variant (3), intron variant (2).
Genome position (GRCh38, 1-based): chrX:101,398,428, T>A on the plus strand (A>T on the coding strand, the complement: GLA is on the minus strand). VCF-style: chrX-101398428-T-A. GRCh37 (hg19) VCF-style: chrX-100653416-T-A.
Other names: c.1064A>T, p.Lys355Met (NM_001406747.1); c.941A>T, p.Lys314Met (NM_001406748.1); c.300+2971T>A (NM_001199973.2); c.177+6606T>A (NM_001199974.2); short protein forms K314M, K355M.
Identifiers: ClinVar variation 4087594 (VCV004087594.2).
Genomic context (GRCh38, chrX:101,398,428, plus strand): 5'-ACCTGTCTAAGCTGGTACCCTTGCTTGCCCAAGGGGTCCTGATTGATGGCAATTACGTCC[T>A]TATCCTGAAGGAGAGCTTTGGCTTGAGGGCTGATGTGTCGGAGGTCATTAGACATGAATA-3'
Protein context (NP_000160.1, residues 304-324): SPQAKALLQD[Lys314Met]DVIAINQDPL